The following is an entry in ClinVar:

NM_000179.3(MSH6):c.491A>G (p.His164Arg)

Gene: MSH6 (mutS homolog 6; plus strand). Cytogenetic location: 2p16.3.
Variant type: single nucleotide variant.
Coding change: c.491A>G on transcript NM_000179.3 (MANE Select); coding-DNA position 491, A replaced by G.
Protein change: p.His164Arg; replaces histidine 164 with arginine.
Molecular consequence: missense variant. On other transcripts: 5 prime UTR variant (1), intron variant (2).
Genome position (GRCh38, 1-based): chr2:47,795,927, A>G. VCF-style: chr2-47795927-A-G. GRCh37 (hg19) VCF-style: chr2-48023066-A-G.
Other names: c.-412A>G (NM_001281494.2); c.587A>G, p.His196Arg (NM_001406795.1, NM_001406802.1); c.491A>G, p.His164Arg (NM_001406796.1, NM_001406798.1, NM_001406800.1 and 5 more transcripts); c.194A>G, p.His65Arg (NM_001406797.1, NM_001406801.1, NM_001406805.1 and 10 more transcripts); c.-35A>G (NM_001406799.1, NM_001406806.1, NM_001406807.1); c.413A>G, p.His138Arg (NM_001406804.1); c.497A>G, p.His166Arg (NM_001406813.1); c.-504A>G (NM_001406814.1); and 3 more; short protein forms H108R, H138R, H164R, H166R, H196R, H65R.
Identifiers: ClinVar variation 2429513 (VCV002429513.5), dbSNP rs146469162, ClinGen allele CA346738624.

ClinVar aggregate classification (germline): Uncertain significance. Review status: criteria provided, multiple submitters, no conflicts (2 of 4 stars). 3 submissions from 3 submitters: Uncertain significance (3). Last evaluated 2026-07-06.

Conditions:
Hereditary nonpolyposis colorectal neoplasms. Identifiers: MedGen C0009405, MeSH D003123.
Hereditary cancer-predisposing syndrome. Also called: Hereditary Cancer Syndrome; Hereditary neoplastic syndrome; Neoplastic Syndromes, Hereditary; Tumor predisposition. Identifiers: Orphanet 140162, MedGen C0027672, MeSH D009386, MONDO:0015356.

gnomAD v4.1: 1 of 1,614,166 alleles (0.000062%); highest among the groups gnomAD compares: African/African-American, 0.0013%; no homozygotes.

Submissions (3):

Ambry Genetics
Classification: Uncertain significance for Hereditary cancer-predisposing syndrome. Last evaluated: 2026-07-06. Review status: criteria provided, single submitter. Criteria: Ambry Variant Classification Scheme 2023. Collection method: clinical testing. Allele origin: germline.
Comment: The p.H164R variant (also known as c.491A>G), located in coding exon 3 of the MSH6 gene, results from an A to G substitution at nucleotide position 491. The histidine at codon 164 is replaced by arginine, an amino acid with highly similar properties. This amino acid position is conserved. In addition, this alteration is predicted to be tolerated by in silico analysis. Based on the available evidence, the clinical significance of this variant remains unclear.

Labcorp Genetics (formerly Invitae), Labcorp
Classification: Uncertain significance for Hereditary nonpolyposis colorectal neoplasms. Last evaluated: 2023-10-17. Review status: criteria provided, single submitter. Criteria: Invitae Variant Classification Sherloc (09022015). Collection method: clinical testing. Allele origin: germline.
Comment: This sequence change replaces histidine, which is basic and polar, with arginine, which is basic and polar, at codon 164 of the MSH6 protein (p.His164Arg). This variant is not present in population databases (gnomAD no frequency). This variant has not been reported in the literature in individuals affected with MSH6-related conditions. ClinVar contains an entry for this variant (Variation ID: 2429513). Advanced modeling of protein sequence and biophysical properties (such as structural, functional, and spatial information, amino acid conservation, physicochemical variation, residue mobility, and thermodynamic stability) performed at Invitae indicates that this missense variant is not expected to disrupt MSH6 protein function. In summary, the available evidence is currently insufficient to determine the role of this variant in disease. Therefore, it has been classified as a Variant of Uncertain Significance.

GeneDx
Classification: Uncertain significance. Last evaluated: 2022-08-09. Review status: criteria provided, single submitter. Criteria: GeneDx Variant Classification Process June 2021. Collection method: clinical testing. Allele origin: germline. Affected: yes.
Comment: Not observed at significant frequency in large population cohorts (gnomAD); In silico analysis supports that this missense variant does not alter protein structure/function; Has not been previously published as pathogenic or benign to our knowledge